The following is an entry in ClinVar:

NM_004934.5(CDH18):c.543G>A (p.Val181=)

Gene: CDH18 (cadherin 18; minus strand). Cytogenetic location: 5p14.3.
Variant type: single nucleotide variant.
Coding change: c.543G>A on transcript NM_004934.5 (MANE Select); coding-DNA position 543, G replaced by A.
Protein change: p.Val181=; no amino-acid change (valine 181 retained).
Molecular consequence: synonymous variant. On other transcripts: 5 prime UTR variant (2).
Genome position (GRCh38, 1-based): chr5:19,721,447, C>T on the plus strand (G>A on the coding strand, the complement: CDH18 is on the minus strand). VCF-style: chr5-19721447-C-T. GRCh37 (hg19) VCF-style: chr5-19721556-C-T.
Other names: c.543G>A, p.Val181= (NM_001167667.3, NM_001291956.3, NM_001291957.2 and 5 more transcripts); c.-216G>A (NM_001349562.2, NM_001349563.2).
Identifiers: ClinVar variation 4977939 (VCV004977939.1).

ClinVar aggregate classification (germline): Likely benign (1 of 4 stars; one submission).

Conditions:
CDH18-related disorder. Also called: CDH18-related condition.

gnomAD v4.1: 80 of 1,611,738 alleles (0.005%); highest among the groups gnomAD compares: Non-Finnish European, 0.0064%; no homozygotes.

Submission:

PreventionGenetics, part of Exact Sciences
Classification: Likely benign for CDH18-related condition. Last evaluated: 2026-02-16. Review status: criteria provided, single submitter. Criteria: ACMG Guidelines, 2015. Collection method: clinical testing. Allele origin: germline.
Comment: This variant is classified as likely benign based on ACMG/AMP sequence variant interpretation guidelines (Richards et al. 2015 PMID: 25741868, with internal and published modifications).